The following is an entry in ClinVar:

ClinVar aggregate classification (germline): Conflicting classifications of pathogenicity. Review status: criteria provided, conflicting classifications (1 of 4 stars). 3 submissions from 3 submitters: Uncertain significance (1); Likely benign (2). Last evaluated 2023-09-18.

Conditions:
Charcot-Marie-Tooth Neuropathy X. Identifiers: MedGen CN118851.

Allele frequency attached by ClinVar (database versions not stated): TOPMed 0.00002; gnomAD 0.00003; gnomAD exomes below 0.00001.

Submissions (3):

Labcorp Genetics (formerly Invitae), Labcorp
Classification: Likely benign for Charcot-Marie-Tooth Neuropathy X. Last evaluated: 2023-09-18. Review status: criteria provided, single submitter. Criteria: Invitae Variant Classification Sherloc (09022015). Collection method: clinical testing. Allele origin: germline.

Athena Diagnostics
Classification: Uncertain significance. Last evaluated: 2017-07-10. Review status: criteria provided, single submitter. Criteria: Athena Diagnostics Criteria. Collection method: clinical testing. Allele origin: germline.

GeneDx
Classification: Likely benign. Last evaluated: 2017-04-03. Review status: criteria provided, single submitter. Criteria: GeneDx Variant Classification (06012015). Collection method: clinical testing. Allele origin: germline. Affected: yes.
Comment: This variant is considered likely benign or benign based on one or more of the following criteria: it is a conservative change, it occurs at a poorly conserved position in the protein, it is predicted to be benign by multiple in silico algorithms, and/or has population frequency not consistent with disease.

NM_000166.6(GJB1):c.297A>G (p.Gln99=)

Gene: GJB1 (gap junction protein beta 1; plus strand). Cytogenetic location: Xq13.1.
Variant type: single nucleotide variant.
Coding change: c.297A>G on transcript NM_000166.6 (MANE Select); coding-DNA position 297, A replaced by G.
Protein change: p.Gln99=; no amino-acid change (glutamine 99 retained).
Molecular consequence: synonymous variant.
Genome position (GRCh38, 1-based): chrX:71,224,004, A>G. VCF-style: chrX-71224004-A-G. GRCh37 (hg19) VCF-style: chrX-70443854-A-G.
Other names: c.297A>G, p.Gln99= (NM_001097642.3).
Identifiers: ClinVar variation 447430 (VCV000447430.9), dbSNP rs1213746899, ClinGen allele CA516821373.